The following is an entry in ClinVar:

NM_001012339.3(DNAJC21):c.97+4A>G

Genes: DNAJC21 (DnaJ heat shock protein family (Hsp40) member C21; plus strand), LOC129993792 (ATAC-STARR-seq lymphoblastoid silent region 15969; plus strand). Cytogenetic location: 5p13.2.
Variant type: single nucleotide variant.
Coding change: c.97+4A>G on transcript NM_001012339.3 (MANE Select); 4 bases into the intron after coding-DNA position 97, A replaced by G.
Molecular consequence: intron variant.
Genome position (GRCh38, 1-based): chr5:34,929,920, A>G. VCF-style: chr5-34929920-A-G. GRCh37 (hg19) VCF-style: chr5-34930025-A-G.
Other names: c.97+4A>G (NM_001348420.2, NM_194283.4).
Identifiers: ClinVar variation 2186567 (VCV002186567.1), dbSNP rs559350367, ClinGen allele CA3228322.

ClinVar aggregate classification (germline): Uncertain significance (1 of 4 stars; one submission).

Allele frequency attached by ClinVar (database versions not stated): gnomAD 0.00001; TOPMed 0.00003; gnomAD exomes 0.00004; ExAC 0.00009; 1000 Genomes Project 0.00020; 1000 Genomes Project 30x 0.00031.
gnomAD v4.1: 27 of 1,572,656 alleles (0.0017%); highest among the groups gnomAD compares: Admixed American, 0.042%; no homozygotes.

Submission:

Labcorp Genetics (formerly Invitae), Labcorp
Classification: Uncertain significance. Last evaluated: 2022-07-14. Review status: criteria provided, single submitter. Criteria: Invitae Variant Classification Sherloc (09022015). Collection method: clinical testing. Allele origin: germline.
Comment: This sequence change falls in intron 1 of the DNAJC21 gene. It does not directly change the encoded amino acid sequence of the DNAJC21 protein. It affects a nucleotide within the consensus splice site. This variant is present in population databases (rs559350367, gnomAD 0.07%). This variant has not been reported in the literature in individuals affected with DNAJC21-related conditions. Variants that disrupt the consensus splice site are a relatively common cause of aberrant splicing (PMID: 17576681, 9536098). Algorithms developed to predict the effect of sequence changes on RNA splicing suggest that this variant is not likely to affect RNA splicing. In summary, the available evidence is currently insufficient to determine the role of this variant in disease. Therefore, it has been classified as a Variant of Uncertain Significance.

Literature cited by the submitters: PubMed 17576681; PubMed 9536098.